The following is an entry in ClinVar:

ClinVar aggregate classification (germline): Likely pathogenic. Review status: criteria provided, multiple submitters, no conflicts (2 of 4 stars). 2 submissions from 2 submitters: Likely pathogenic (2). Last evaluated 2024-03-05.

Conditions:
Salla disease (SD). Also called: Less Severe FSASD (Salla Disease); Sialuria, Finnish type; N-acetylneuraminic acid (NANA) storage disease (NSD); Infantile sialic acid storage disorder (ISSD). Identifiers: Orphanet 309334, Orphanet 834, MedGen C1096903, MONDO:0011449, OMIM 604369.

Allele frequency attached by ClinVar (database versions not stated): gnomAD exomes below 0.00001.
gnomAD v4.1: 2 of 1,611,452 alleles (0.00012%); highest among the groups gnomAD compares: Non-Finnish European, 0.000085%; no homozygotes.

Submissions (2):

Baylor Genetics
Classification: Likely pathogenic for Salla disease. Last evaluated: 2024-03-05. Review status: criteria provided, single submitter. Criteria: ACMG Guidelines, 2015. Collection method: clinical testing. Allele origin: unknown.

Labcorp Genetics (formerly Invitae), Labcorp
Classification: Likely pathogenic for Salla disease. Last evaluated: 2021-06-14. Review status: criteria provided, single submitter. Criteria: Invitae Variant Classification Sherloc (09022015). Collection method: clinical testing. Allele origin: germline.
Comment: In summary, the currently available evidence indicates that the variant is pathogenic, but additional data are needed to prove that conclusively. Therefore, this variant has been classified as Likely Pathogenic. Donor and acceptor splice site variants typically lead to a loss of protein function (PMID: 16199547), and loss-of-function variants in SLC17A5 are known to be pathogenic (PMID: 10581036, 10947946, 15172001). This variant has not been reported in the literature in individuals with SLC17A5-related conditions. This variant is not present in population databases (ExAC no frequency). This sequence change affects a donor splice site in intron 4 of the SLC17A5 gene. It is expected to disrupt RNA splicing and likely results in an absent or disrupted protein product.

Literature cited by the submitters: PubMed 16199547 (cited by Labcorp Genetics (formerly Invitae), Labcorp); PubMed 10581036 (cited by Labcorp Genetics (formerly Invitae), Labcorp); PubMed 10947946 (cited by Labcorp Genetics (formerly Invitae), Labcorp); PubMed 15172001 (cited by Labcorp Genetics (formerly Invitae), Labcorp).

NM_012434.5(SLC17A5):c.613+1G>A

Gene: SLC17A5 (solute carrier family 17 member 5; minus strand). Cytogenetic location: 6q13.
Variant type: single nucleotide variant.
Coding change: c.613+1G>A on transcript NM_012434.5 (MANE Select); the canonical splice donor site of the intron after coding-DNA position 613, G replaced by A.
Molecular consequence: splice donor variant.
Genome position (GRCh38, 1-based): chr6:73,638,411, C>T on the plus strand (G>A on the coding strand, the complement: SLC17A5 is on the minus strand). VCF-style: chr6-73638411-C-T. GRCh37 (hg19) VCF-style: chr6-74348134-C-T.
Other names: c.382+1G>A (NM_001382636.1, NM_001382629.1); c.613+1G>A (NM_001382632.1, NM_001382635.1, NM_001382634.1 and 2 more transcripts); c.634+1G>A (NM_001382631.1).
Identifiers: ClinVar variation 946815 (VCV000946815.9), dbSNP rs1769124033, ClinGen allele CA364716696.